The following is an entry in ClinVar:

NM_020297.4(ABCC9):c.3772A>C (p.Ile1258Leu)

Genes: ABCC9 (ATP binding cassette subfamily C member 9; minus strand), KCNJ8-AS1 (KCNJ8 antisense RNA 1; plus strand). Cytogenetic location: 12p12.1.
Variant type: single nucleotide variant.
Coding change: c.3772A>C on transcript NM_020297.4 (MANE Select); coding-DNA position 3772, A replaced by C.
Protein change: p.Ile1258Leu; replaces isoleucine 1258 with leucine.
Molecular consequence: missense variant.
Genome position (GRCh38, 1-based): chr12:21,817,307, T>G on the plus strand (A>C on the coding strand, the complement: ABCC9 is on the minus strand). VCF-style: chr12-21817307-T-G. GRCh37 (hg19) VCF-style: chr12-21970241-T-G.
Other names: c.3772A>C, p.Ile1258Leu (NM_001377273.1, NM_005691.4); c.2905A>C, p.Ile969Leu (NM_001377274.1); short protein forms I969L, I1258L.
Identifiers: ClinVar variation 1484146 (VCV001484146.6), dbSNP rs1287858213, ClinGen allele CA384136751.

ClinVar aggregate classification (germline): Uncertain significance (1 of 4 stars; one submission).

Conditions:
Dilated cardiomyopathy 1O (CMD1O). Also called: CARDIOMYOPATHY, DILATED, WITH VENTRICULAR TACHYCARDIA. Identifiers: Orphanet 154, MedGen C1837839, MONDO:0012062, OMIM 608569.

Submission:

Labcorp Genetics (formerly Invitae), Labcorp
Classification: Uncertain significance for Dilated cardiomyopathy 1O. Last evaluated: 2021-10-24. Review status: criteria provided, single submitter. Criteria: Invitae Variant Classification Sherloc (09022015). Collection method: clinical testing. Allele origin: germline.
Comment: In summary, the available evidence is currently insufficient to determine the role of this variant in disease. Therefore, it has been classified as a Variant of Uncertain Significance. Algorithms developed to predict the effect of sequence changes on RNA splicing suggest that this variant may disrupt the consensus splice site. Algorithms developed to predict the effect of missense changes on protein structure and function (SIFT, PolyPhen-2, Align-GVGD) all suggest that this variant is likely to be tolerated. This variant has not been reported in the literature in individuals affected with ABCC9-related conditions. This variant is not present in population databases (gnomAD no frequency). This sequence change replaces isoleucine, which is neutral and non-polar, with leucine, which is neutral and non-polar, at codon 1258 of the ABCC9 protein (p.Ile1258Leu).